The following is an entry in ClinVar:

ClinVar aggregate classification (germline): Likely benign. Review status: criteria provided, multiple submitters, no conflicts (2 of 4 stars). 4 submissions from 4 submitters: Likely benign (3). 1 of the submissions does not count toward it. Last evaluated 2025-10-08.

Conditions:
MARS1-related disorder. Also called: MARS1-related condition.
Charcot-Marie-Tooth disease axonal type 2U. Also called: CHARCOT-MARIE-TOOTH NEUROPATHY, TYPE 2U; CHARCOT-MARIE-TOOTH DISEASE, AXONAL, AUTOSOMAL DOMINANT, TYPE 2U. Identifiers: Orphanet 397735, MedGen C4084821, MONDO:0014566, OMIM 616280.
Severe early-onset pulmonary alveolar proteinosis due to MARS deficiency. Also called: Interstitial lung and liver disease; PULMONARY ALVEOLAR PROTEINOSIS, REUNION ISLAND. Identifiers: Orphanet 440427, MedGen C4225400, MONDO:0014206, OMIM 615486.

Allele frequency attached by ClinVar (database versions not stated): gnomAD exomes 0.00004 and 0.00006; ExAC 0.00007; 1000 Genomes Project 30x 0.00016; gnomAD 0.00016 and 0.00020; TOPMed 0.00017; 1000 Genomes Project 0.00020.
gnomAD v4.1: 121 of 1,614,044 alleles (0.0075%); highest among the groups gnomAD compares: Middle Eastern, 0.12%; 1 homozygote.

Submissions (4):

Labcorp Genetics (formerly Invitae), Labcorp
Classification: Likely benign for Charcot-Marie-Tooth disease axonal type 2U; Severe early-onset pulmonary alveolar proteinosis due to MARS deficiency. Last evaluated: 2025-10-08. Review status: criteria provided, single submitter. Criteria: Invitae Variant Classification Sherloc (09022015). Collection method: clinical testing. Allele origin: germline.

Blueprint Genetics
Classification: Likely benign. Last evaluated: 2024-06-24. Review status: criteria provided, single submitter. Criteria: ACMG Guidelines, 2015. Collection method: clinical testing. Allele origin: germline.

Breakthrough Genomics
Classification: Likely benign. Review status: criteria provided, single submitter. Criteria: ACMG Guidelines, 2015. Collection method: not provided. Allele origin: germline. Inheritance: Autosomal recessive inheritance. Affected: yes.

PreventionGenetics, part of Exact Sciences
Classification: Likely benign for MARS1-related condition. Last evaluated: 2019-05-17. Review status: no assertion criteria provided. Collection method: clinical testing. Allele origin: germline. Not counted in ClinVar's aggregate classification.
Comment: This variant is classified as likely benign based on ACMG/AMP sequence variant interpretation guidelines (Richards et al. 2015 PMID: 25741868, with internal and published modifications).

NM_004990.4(MARS1):c.414+9G>C

Gene: MARS1 (methionyl-tRNA synthetase 1; plus strand). Cytogenetic location: 12q13.3.
Variant type: single nucleotide variant.
Coding change: c.414+9G>C on transcript NM_004990.4 (MANE Select); 9 bases into the intron after coding-DNA position 414, G replaced by C.
Molecular consequence: intron variant.
Genome position (GRCh38, 1-based): chr12:57,489,567, G>C. VCF-style: chr12-57489567-G-C. GRCh37 (hg19) VCF-style: chr12-57883350-G-C.
Identifiers: ClinVar variation 475425 (VCV000475425.14), dbSNP rs375026310, ClinGen allele CA6650158.